The following is an entry in ClinVar:

NM_014363.6(SACS):c.3886C>G (p.His1296Asp)

Gene: SACS (sacsin molecular chaperone; minus strand). Cytogenetic location: 13q12.12.
Variant type: single nucleotide variant.
Coding change: c.3886C>G on transcript NM_014363.6 (MANE Select); coding-DNA position 3886, C replaced by G.
Protein change: p.His1296Asp; replaces histidine 1296 with aspartic acid.
Molecular consequence: missense variant.
Genome position (GRCh38, 1-based): chr13:23,339,990, G>C on the plus strand (C>G on the coding strand, the complement: SACS is on the minus strand). VCF-style: chr13-23339990-G-C. GRCh37 (hg19) VCF-style: chr13-23914129-G-C.
Other names: c.3445C>G, p.His1149Asp (NM_001278055.2); short protein forms H1149D, H1296D.
Identifiers: ClinVar variation 2014060 (VCV002014060.1), dbSNP rs2542289265, ClinGen allele CA387533346.

ClinVar aggregate classification (germline): Uncertain significance (1 of 4 stars; one submission).

Conditions:
Spastic paraplegia. Identifiers: MedGen C0037772, HP:0001258.

Submission:

Labcorp Genetics (formerly Invitae), Labcorp
Classification: Uncertain significance for Spastic paraplegia. Last evaluated: 2022-07-04. Review status: criteria provided, single submitter. Criteria: Invitae Variant Classification Sherloc (09022015). Collection method: clinical testing. Allele origin: germline.
Comment: This sequence change replaces histidine, which is basic and polar, with aspartic acid, which is acidic and polar, at codon 1296 of the SACS protein (p.His1296Asp). This variant is not present in population databases (gnomAD no frequency). This variant has not been reported in the literature in individuals affected with SACS-related conditions. Advanced modeling of protein sequence and biophysical properties (such as structural, functional, and spatial information, amino acid conservation, physicochemical variation, residue mobility, and thermodynamic stability) performed at Invitae indicates that this missense variant is not expected to disrupt SACS protein function. In summary, the available evidence is currently insufficient to determine the role of this variant in disease. Therefore, it has been classified as a Variant of Uncertain Significance.